The following is an entry in ClinVar:

NM_018191.4(RCBTB1):c.710A>T (p.Gln237Leu)

Gene: RCBTB1 (RCC1 and BTB domain containing protein 1; minus strand). Cytogenetic location: 13q14.2.
Variant type: single nucleotide variant.
Coding change: c.710A>T on transcript NM_018191.4 (MANE Select); coding-DNA position 710, A replaced by T.
Protein change: p.Gln237Leu; replaces glutamine 237 with leucine.
Molecular consequence: missense variant. On other transcripts: non-coding transcript variant (2).
Genome position (GRCh38, 1-based): chr13:49,552,179, T>A on the plus strand (A>T on the coding strand, the complement: RCBTB1 is on the minus strand). VCF-style: chr13-49552179-T-A. GRCh37 (hg19) VCF-style: chr13-50126315-T-A.
Other names: c.710A>T, p.Gln237Leu (NM_001352500.2, NM_001352501.2, NM_001352502.2 and 3 more transcripts); c.131A>T, p.Gln44Leu (NM_001352506.2); short protein forms Q237L, Q44L.
Identifiers: ClinVar variation 1378729 (VCV001378729.8), dbSNP rs1481369223, ClinGen allele CA388190797.

ClinVar aggregate classification (germline): Uncertain significance (1 of 4 stars; one submission).

Allele frequency attached by ClinVar (database versions not stated): TOPMed below 0.00001; gnomAD 0.00001; gnomAD exomes 0.00001.

Submission:

Labcorp Genetics (formerly Invitae), Labcorp
Classification: Uncertain significance. Last evaluated: 2023-07-07. Review status: criteria provided, single submitter. Criteria: Invitae Variant Classification Sherloc (09022015). Collection method: clinical testing. Allele origin: germline.
Comment: In summary, the available evidence is currently insufficient to determine the role of this variant in disease. Therefore, it has been classified as a Variant of Uncertain Significance. An algorithm developed to predict the effect of missense changes on protein structure and function (PolyPhen-2) suggests that this variant is likely to be tolerated. ClinVar contains an entry for this variant (Variation ID: 1378729). This variant has not been reported in the literature in individuals affected with RCBTB1-related conditions. This variant is not present in population databases (gnomAD no frequency). This sequence change replaces glutamine, which is neutral and polar, with leucine, which is neutral and non-polar, at codon 237 of the RCBTB1 protein (p.Gln237Leu).